The following is an entry in ClinVar:

ClinVar aggregate classification (germline): Uncertain significance (1 of 4 stars; one submission).

Allele frequency attached by ClinVar (database versions not stated): gnomAD exomes below 0.00001 and 0.00001; ExAC 0.00002; TOPMed 0.00003; gnomAD 0.00004.
gnomAD v4.1: 9 of 1,613,626 alleles (0.00056%); highest among the groups gnomAD compares: African/African-American, 0.0067%; no homozygotes.

Submission:

Labcorp Genetics (formerly Invitae), Labcorp
Classification: Uncertain significance. Last evaluated: 2022-11-01. Review status: criteria provided, single submitter. Criteria: Invitae Variant Classification Sherloc (09022015). Collection method: clinical testing. Allele origin: germline.
Comment: This sequence change replaces glutamine, which is neutral and polar, with arginine, which is basic and polar, at codon 200 of the PCLO protein (p.Gln200Arg). This variant is present in population databases (rs747395077, gnomAD 0.01%). This variant has not been reported in the literature in individuals affected with PCLO-related conditions. ClinVar contains an entry for this variant (Variation ID: 1461036). Algorithms developed to predict the effect of missense changes on protein structure and function are either unavailable or do not agree on the potential impact of this missense change (SIFT: "Tolerated"; PolyPhen-2: "Not Available"; Align-GVGD: "Class C0"). In summary, the available evidence is currently insufficient to determine the role of this variant in disease. Therefore, it has been classified as a Variant of Uncertain Significance.

NM_033026.6(PCLO):c.599A>G (p.Gln200Arg)

Gene: PCLO (piccolo presynaptic cytomatrix protein; minus strand). Cytogenetic location: 7q21.11.
Variant type: single nucleotide variant.
Coding change: c.599A>G on transcript NM_033026.6 (MANE Select); coding-DNA position 599, A replaced by G.
Protein change: p.Gln200Arg; replaces glutamine 200 with arginine.
Molecular consequence: missense variant.
Genome position (GRCh38, 1-based): chr7:83,156,042, T>C on the plus strand (A>G on the coding strand, the complement: PCLO is on the minus strand). VCF-style: chr7-83156042-T-C. GRCh37 (hg19) VCF-style: chr7-82785358-T-C.
Other names: c.599A>G, p.Gln200Arg (NM_014510.3); short protein forms Q200R.
Identifiers: ClinVar variation 1461036 (VCV001461036.3), dbSNP rs747395077, ClinGen allele CA4321638.